The following is an entry in ClinVar:

ClinVar aggregate classification (germline): Uncertain significance (1 of 4 stars; one submission).

Conditions:
Severe combined immunodeficiency due to DNA-PKcs deficiency. Also called: IMMUNODEFICIENCY 26 WITH NEUROLOGIC ABNORMALITIES; Immunodeficiency 26 with or without neurologic abnormalities. Identifiers: Orphanet 317425, MedGen C4014833, MONDO:0014423, OMIM 615966.

Submission:

Labcorp Genetics (formerly Invitae), Labcorp
Classification: Uncertain significance for Severe combined immunodeficiency due to DNA-PKcs deficiency. Last evaluated: 2022-02-08. Review status: criteria provided, single submitter. Criteria: Invitae Variant Classification Sherloc (09022015). Collection method: clinical testing. Allele origin: germline.
Comment: In summary, the available evidence is currently insufficient to determine the role of this variant in disease. Therefore, it has been classified as a Variant of Uncertain Significance. Experimental studies and prediction algorithms are not available or were not evaluated, and the functional significance of this variant is currently unknown. This variant has not been reported in the literature in individuals affected with PRKDC-related conditions. This variant is not present in population databases (gnomAD no frequency). This sequence change replaces proline, which is neutral and non-polar, with arginine, which is basic and polar, at codon 2698 of the PRKDC protein (p.Pro2698Arg).

NM_006904.7(PRKDC):c.8093C>G (p.Pro2698Arg)

Gene: PRKDC (protein kinase, DNA-activated, catalytic subunit; minus strand). Cytogenetic location: 8q11.21.
Variant type: single nucleotide variant.
Coding change: c.8093C>G on transcript NM_006904.7 (MANE Select); coding-DNA position 8093, C replaced by G.
Protein change: p.Pro2698Arg; replaces proline 2698 with arginine.
Molecular consequence: missense variant.
Genome position (GRCh38, 1-based): chr8:47,834,255, G>C on the plus strand (C>G on the coding strand, the complement: PRKDC is on the minus strand). VCF-style: chr8-47834255-G-C. GRCh37 (hg19) VCF-style: chr8-48746816-G-C.
Other names: c.8093C>G, p.Pro2698Arg (NM_001081640.2); short protein forms P2698R.
Identifiers: ClinVar variation 1902152 (VCV001902152.5), dbSNP rs2551867063, ClinGen allele CA371149384.